The following is an entry in ClinVar:

NM_033200.3(LMF2):c.489C>T (p.His163=)

Gene: LMF2 (lipase maturation factor 2; minus strand). Cytogenetic location: 22q13.33.
Variant type: single nucleotide variant.
Coding change: c.489C>T on transcript NM_033200.3 (MANE Select); coding-DNA position 489, C replaced by T.
Protein change: p.His163=; no amino-acid change (histidine 163 retained).
Molecular consequence: synonymous variant.
Genome position (GRCh38, 1-based): chr22:50,506,391, G>A on the plus strand (C>T on the coding strand, the complement: LMF2 is on the minus strand). VCF-style: chr22-50506391-G-A. GRCh37 (hg19) VCF-style: chr22-50944820-G-A.
Other names: c.414C>T, p.His138= (NM_001363816.2).
Identifiers: ClinVar variation 2653397 (VCV002653397.24), dbSNP rs756342960, ClinGen allele CA10319999.

ClinVar aggregate classification (germline): Likely benign (1 of 4 stars; one submission).

Allele frequency attached by ClinVar (database versions not stated): gnomAD 0.00001; TOPMed 0.00002.
gnomAD v4.1: 51 of 1,549,790 alleles (0.0033%); highest among the groups gnomAD compares: Non-Finnish European, 0.0036%; no homozygotes.

Submission:

CeGaT Center for Human Genetics Tuebingen
Classification: Likely benign. Last evaluated: 2022-08-01. Review status: criteria provided, single submitter. Criteria: CeGaT Center For Human Genetics Tuebingen Variant Classification Criteria Version 2. Collection method: clinical testing. Allele origin: germline. Affected: yes. Observed: 1 variant allele.
Comment: LMF2: BP4, BP7